The following is an entry in ClinVar:

ClinVar aggregate classification (germline): Uncertain significance (1 of 4 stars; one submission).

Conditions:
Cardiomyopathy (CMYO). Also called: Cardiomyopathies. Identifiers: Orphanet 167848, MedGen C0878544, MONDO:0004994, HP:0001638. Inheritance: Various modes of inheritance.

Submission:

Color Diagnostics, LLC DBA Color Health
Classification: Uncertain significance for Cardiomyopathy. Last evaluated: 2025-08-14. Review status: criteria provided, single submitter. Criteria: ACMG Guidelines, 2015. Collection method: clinical testing. Allele origin: germline.
Comment: This missense variant replaces glycine with valine at codon 1129 of the RYR2 protein. Computational prediction suggests that this variant may have deleterious impact on protein structure and function. To our knowledge, functional studies have not been reported for this variant. This variant has not been reported in individuals affected with RYR2-related disorders in the literature. This variant has not been identified in the general population by the Genome Aggregation Database (gnomAD). The available evidence is insufficient to determine the role of this variant in disease conclusively. Therefore, this variant is classified as a Variant of Uncertain Significance.

NM_001035.3(RYR2):c.3386G>T (p.Gly1129Val)

Gene: RYR2 (ryanodine receptor 2; plus strand). Cytogenetic location: 1q43.
Variant type: single nucleotide variant.
Coding change: c.3386G>T on transcript NM_001035.3 (MANE Select); coding-DNA position 3386, G replaced by T.
Protein change: p.Gly1129Val; replaces glycine 1129 with valine.
Molecular consequence: missense variant.
Genome position (GRCh38, 1-based): chr1:237,566,738, G>T. VCF-style: chr1-237566738-G-T. GRCh37 (hg19) VCF-style: chr1-237730038-G-T.
Other names: short protein forms G1129V.
Identifiers: ClinVar variation 4756261 (VCV004756261.1).